The following is an entry in ClinVar:

NM_001363711.2(DUOX2):c.2800G>T (p.Glu934Ter)

Gene: DUOX2 (dual oxidase 2; minus strand). Cytogenetic location: 15q21.1.
Variant type: single nucleotide variant.
Coding change: c.2800G>T on transcript NM_001363711.2 (MANE Select); coding-DNA position 2800, G replaced by T.
Protein change: p.Glu934Ter; replaces glutamic acid 934 with a stop codon.
Molecular consequence: nonsense.
Genome position (GRCh38, 1-based): chr15:45,101,844, C>A on the plus strand (G>T on the coding strand, the complement: DUOX2 is on the minus strand). VCF-style: chr15-45101844-C-A. GRCh37 (hg19) VCF-style: chr15-45394042-C-A.
Other names: c.2800G>T, p.Glu934Ter (NM_014080.5); short protein forms E934*.
Identifiers: ClinVar variation 1970476 (VCV001970476.5), dbSNP rs148333059, ClinGen allele CA392266718.

ClinVar aggregate classification (germline): Pathogenic (1 of 4 stars; one submission).

Submission:

Labcorp Genetics (formerly Invitae), Labcorp
Classification: Pathogenic. Last evaluated: 2024-05-06. Review status: criteria provided, single submitter. Criteria: Invitae Variant Classification Sherloc (09022015). Collection method: clinical testing. Allele origin: germline.
Comment: This sequence change creates a premature translational stop signal (p.Glu934*) in the DUOX2 gene. It is expected to result in an absent or disrupted protein product. Loss-of-function variants in DUOX2 are known to be pathogenic (PMID: 12110737, 18765513, 21565790, 24423310, 24735383). This variant is not present in population databases (gnomAD no frequency). This variant has not been reported in the literature in individuals affected with DUOX2-related conditions. ClinVar contains an entry for this variant (Variation ID: 1970476). For these reasons, this variant has been classified as Pathogenic.

Literature cited by the submitters: PubMed 12110737; PubMed 18765513; PubMed 21565790; PubMed 24423310; PubMed 24735383.